The following is an entry in ClinVar:

NM_022725.4(FANCF):c.301C>G (p.Arg101Gly)

Gene: FANCF (FA complementation group F; minus strand). Cytogenetic location: 11p14.3.
Variant type: single nucleotide variant.
Coding change: c.301C>G on transcript NM_022725.4 (MANE Select); coding-DNA position 301, C replaced by G.
Protein change: p.Arg101Gly; replaces arginine 101 with glycine.
Molecular consequence: missense variant.
Genome position (GRCh38, 1-based): chr11:22,625,510, G>C on the plus strand (C>G on the coding strand, the complement: FANCF is on the minus strand). VCF-style: chr11-22625510-G-C. GRCh37 (hg19) VCF-style: chr11-22647056-G-C.
Other names: short protein forms R101G.
Identifiers: ClinVar variation 843804 (VCV000843804.10), dbSNP rs760571335, ClinGen allele CA380059313.
Genomic context (GRCh38, chr11:22,625,510, plus strand): 5'-CGCCCGGGCCGGGAAAGAGTTGCTGCACCAGGTGGTAACGAGCTGCATCCCCGAGGGCCC[G>C]GTTCTCCAGCAGGCGCAGAGAGAGCAGGACGTCACAGTGACCGAGGGCCTGGAAGTTCGC-3'
Protein context (NP_073562.1, residues 91-111): VLLSLRLLEN[Arg101Gly]ALGDAARYHL

ClinVar aggregate classification (germline): Uncertain significance. Review status: criteria provided, multiple submitters, no conflicts (2 of 4 stars). 2 submissions from 2 submitters: Uncertain significance (2). Last evaluated 2024-02-20.

Conditions:
Fanconi anemia (FA). Also called: Fanconi's anemia. Identifiers: Orphanet 84, MedGen C0015625, MeSH D005199, MONDO:0019391.
Fanconi anemia complementation group F. Also called: FANCF-Related Fanconi Anemia. Identifiers: Orphanet 84, MedGen C3469526, MONDO:0011325, OMIM 603467.

Submissions (2):

Fulgent Genetics
Classification: Uncertain significance for Fanconi anemia complementation group F. Last evaluated: 2024-02-20. Review status: criteria provided, single submitter. Criteria: ACMG Guidelines, 2015. Collection method: clinical testing. Allele origin: germline.

Labcorp Genetics (formerly Invitae), Labcorp
Classification: Uncertain significance for Fanconi anemia. Last evaluated: 2022-07-12. Review status: criteria provided, single submitter. Criteria: Invitae Variant Classification Sherloc (09022015). Collection method: clinical testing. Allele origin: germline.
Comment: Algorithms developed to predict the effect of missense changes on protein structure and function are either unavailable or do not agree on the potential impact of this missense change (SIFT: "Deleterious"; PolyPhen-2: "Possibly Damaging"; Align-GVGD: "Class C0"). In summary, the available evidence is currently insufficient to determine the role of this variant in disease. Therefore, it has been classified as a Variant of Uncertain Significance. ClinVar contains an entry for this variant (Variation ID: 843804). This variant has not been reported in the literature in individuals affected with FANCF-related conditions. This variant is present in population databases (no rsID available, gnomAD 0.0009%). This sequence change replaces arginine, which is basic and polar, with glycine, which is neutral and non-polar, at codon 101 of the FANCF protein (p.Arg101Gly).